The following is an entry in ClinVar:

NM_170665.4(ATP2A2):c.1043T>C (p.Ile348Thr)

Gene: ATP2A2 (ATPase sarcoplasmic/endoplasmic reticulum Ca2+ transporting 2; plus strand). Cytogenetic location: 12q24.11.
Variant type: single nucleotide variant.
Coding change: c.1043T>C on transcript NM_170665.4 (MANE Select); coding-DNA position 1043, T replaced by C.
Protein change: p.Ile348Thr; replaces isoleucine 348 with threonine.
Molecular consequence: missense variant.
Genome position (GRCh38, 1-based): chr12:110,327,965, T>C. VCF-style: chr12-110327965-T-C. GRCh37 (hg19) VCF-style: chr12-110765770-T-C.
Other names: c.938T>C, p.Ile313Thr (NM_001413013.1); c.1043T>C, p.Ile348Thr (NM_001413014.1, NM_001681.4); c.668T>C, p.Ile223Thr (NM_001413015.1); short protein forms I223T, I313T, I348T.
Identifiers: ClinVar variation 3342443 (VCV003342443.2).

ClinVar aggregate classification (germline): Pathogenic/Likely pathogenic. Review status: criteria provided, multiple submitters, no conflicts (2 of 4 stars). 2 submissions from 2 submitters: Pathogenic (1); Likely pathogenic (1). Last evaluated 2024-03-26.

Conditions:
ATP2A2-related disorder. Also called: ATP2A2-related condition; ATP2A2-Related Disorders.

Submissions (2):

GeneDx
Classification: Likely pathogenic. Last evaluated: 2024-03-26. Review status: criteria provided, single submitter. Criteria: GeneDx Variant Classification Process June 2021. Collection method: clinical testing. Allele origin: germline. Affected: yes.
Comment: Published functional studies demonstrate that the variant results in an insoluble protein with altered cell morphology, which forms aggregates (PMID: 22045735); Not observed at significant frequency in large population cohorts (gnomAD); Missense variants in this gene are often considered pathogenic (HGMD); This variant is associated with the following publications: (PMID: 11168576, 16766529, 29142187, 23356892, 30345710, 10441324, 22045735)

Blueprint Genetics
Classification: Pathogenic for ATP2A2-related disorders. Last evaluated: 2024-01-19. Review status: criteria provided, single submitter. Criteria: ACMG Guidelines, 2015. Collection method: clinical testing. Allele origin: germline. Affected: yes. Observed: 2 variant alleles.